The following is an entry in ClinVar:

NM_004526.4(MCM2):c.98G>C (p.Arg33Pro)

Gene: MCM2 (minichromosome maintenance complex component 2; plus strand). Cytogenetic location: 3q21.3.
Variant type: single nucleotide variant.
Coding change: c.98G>C on transcript NM_004526.4 (MANE Select); coding-DNA position 98, G replaced by C.
Protein change: p.Arg33Pro; replaces arginine 33 with proline.
Molecular consequence: missense variant. On other transcripts: non-coding transcript variant (1).
Genome position (GRCh38, 1-based): chr3:127,599,409, G>C. VCF-style: chr3-127599409-G-C. GRCh37 (hg19) VCF-style: chr3-127318252-G-C.
Other names: c.98G>C (NM_004526.3); short protein forms R33P.
Identifiers: ClinVar variation 4681634 (VCV004681634.6).
Genomic context (GRCh38, chr3:127,599,409, plus strand): 5'-GCCCGGCCCAGCGTCGGCGAGGCAATGATCCTCTCACCTCCAGCCCTGGCCGAAGCTCCC[G>C]GCGTACTGATGCCCTCACCTCCAGCCCTGGCCGTGACCTTCCACCATTTGAGGATGAGTC-3'
Protein context (NP_004517.2, residues 23-43): PLTSSPGRSS[Arg33Pro]RTDALTSSPG

ClinVar aggregate classification (germline): Uncertain significance. Review status: criteria provided, multiple submitters, no conflicts (2 of 4 stars). 2 submissions from 2 submitters: Uncertain significance (2). Last evaluated 2026-09-02.

Conditions:
MCM2-related disorder. Also called: MCM2-related condition.

gnomAD v4.1: 6 of 1,614,092 alleles (0.00037%); highest among the groups gnomAD compares: Non-Finnish European, 0.00051%; no homozygotes.

Submissions (2):

PreventionGenetics, part of Exact Sciences
Classification: Uncertain significance for MCM2-related condition. Last evaluated: 2026-09-02. Review status: criteria provided, single submitter. Criteria: ACMG Guidelines, 2015. Collection method: clinical testing. Allele origin: germline.
Comment: The MCM2 c.98G>C variant is predicted to result in the amino acid substitution p.Arg33Pro. To our knowledge, this variant has not been reported in the literature or in a large population database (gnomAD), indicating this variant is rare. At this time, the clinical significance of this variant is uncertain due to the absence of conclusive functional and genetic evidence.

CeGaT Center for Human Genetics Tuebingen
Classification: Uncertain significance. Last evaluated: 2025-12-01. Review status: criteria provided, single submitter. Criteria: CeGaT Center For Human Genetics Tuebingen Variant Classification Criteria Version 2. Collection method: clinical testing. Allele origin: germline. Affected: yes. Observed: 1 variant allele.